The following is an entry in ClinVar:

NM_000719.7(CACNA1C):c.2712C>T (p.Asn904=)

Gene: CACNA1C (calcium voltage-gated channel subunit alpha1 C; plus strand). Cytogenetic location: 12p13.33.
Variant type: single nucleotide variant.
Coding change: c.2712C>T on transcript NM_000719.7 (MANE Select); coding-DNA position 2712, C replaced by T.
Protein change: p.Asn904=; no amino-acid change (asparagine 904 retained).
Molecular consequence: synonymous variant.
Genome position (GRCh38, 1-based): chr12:2,595,922, C>T. VCF-style: chr12-2595922-C-T. GRCh37 (hg19) VCF-style: chr12-2705088-C-T.
Other names: p.N904N:AAC>AAT; c.2712C>T, p.Asn904= (NM_001129827.2, NM_001129829.2, NM_001129830.3 and 18 more transcripts); c.2703C>T, p.Asn901= (NM_001129844.2).
Identifiers: ClinVar variation 136619 (VCV000136619.19), dbSNP rs144992959, ClinGen allele CA289831.

ClinVar aggregate classification (germline): Benign/Likely benign. Review status: criteria provided, multiple submitters, no conflicts (2 of 4 stars). 5 submissions from 5 submitters: Benign (2); Likely benign (3). Last evaluated 2026-03-01.

Conditions:
Cardiovascular phenotype. Identifiers: MedGen CN230736.
Long QT syndrome (LQTS). Identifiers: MedGen C0023976, MeSH D008133, MONDO:0002442. Disease mechanism: loss of function. Inheritance: Various modes of inheritance.

Allele frequency attached by ClinVar (database versions not stated): gnomAD 0.00017 and 0.00022; TOPMed 0.00021; ExAC 0.00030; gnomAD exomes 0.00040; 1000 Genomes Project 0.00060; 1000 Genomes Project 30x 0.00062.
gnomAD v4.1: 326 of 1,613,780 alleles (0.02%); highest among the groups gnomAD compares: East Asian, 0.7%; 2 homozygotes.

Submissions (5):

CeGaT Center for Human Genetics Tuebingen
Classification: Likely benign. Last evaluated: 2026-03-01. Review status: criteria provided, single submitter. Criteria: CeGaT Center For Human Genetics Tuebingen Variant Classification Criteria Version 2. Collection method: clinical testing. Allele origin: germline. Affected: yes. Observed: 1 variant allele.
Comment: CACNA1C: BP4, BP7, BS1

Labcorp Genetics (formerly Invitae), Labcorp
Classification: Benign for Long QT syndrome. Last evaluated: 2025-12-01. Review status: criteria provided, single submitter. Criteria: Invitae Variant Classification Sherloc (09022015). Collection method: clinical testing. Allele origin: germline.

Blueprint Genetics
Classification: Likely benign. Last evaluated: 2024-06-21. Review status: criteria provided, single submitter. Criteria: ACMG Guidelines, 2015. Collection method: clinical testing. Allele origin: germline.

Ambry Genetics
Classification: Likely benign for Cardiovascular phenotype. Last evaluated: 2019-06-18. Review status: criteria provided, single submitter. Criteria: Ambry Variant Classification Scheme 2023. Collection method: clinical testing. Allele origin: germline.

GeneDx
Classification: Benign. Last evaluated: 2014-02-03. Review status: criteria provided, single submitter. Criteria: GeneDx Variant Classification (06012015). Collection method: clinical testing. Allele origin: germline. Affected: yes.
Comment: This variant is considered likely benign or benign based on one or more of the following criteria: it is a conservative change, it occurs at a poorly conserved position in the protein, it is predicted to be benign by multiple in silico algorithms, and/or has population frequency not consistent with disease.